The following is an entry in ClinVar:

NM_022124.6(CDH23):c.6713-1G>A

Gene: CDH23 (cadherin related 23; plus strand). Cytogenetic location: 10q22.1.
Variant type: single nucleotide variant.
Coding change: c.6713-1G>A on transcript NM_022124.6 (MANE Select); the canonical splice acceptor site of the intron before coding-DNA position 6713, G replaced by A.
Molecular consequence: splice acceptor variant.
Genome position (GRCh38, 1-based): chr10:71,797,103, G>A. VCF-style: chr10-71797103-G-A. GRCh37 (hg19) VCF-style: chr10-73556860-G-A.
Other names: c.-8-1G>A (NM_001171933.1, NM_001171934.1).
Identifiers: ClinVar variation 2631468 (VCV002631468.1), dbSNP rs1369023278, ClinGen allele CA377156826.

ClinVar aggregate classification (germline): Likely pathogenic (1 of 4 stars; one submission).

Conditions:
CDH23-related disorder. Also called: CDH23-related condition; CDH23-related disorders.

gnomAD v4.1: 2 of 1,606,844 alleles (0.00012%); highest among the groups gnomAD compares: Non-Finnish European, 0.00017%; no homozygotes.

Submission:

PreventionGenetics, part of Exact Sciences
Classification: Likely pathogenic for CDH23-related condition. Last evaluated: 2023-08-18. Review status: criteria provided, single submitter. Criteria: ACMG Guidelines, 2015. Collection method: clinical testing. Allele origin: germline.
Comment: The CDH23 c.6713-1G>A variant is predicted to disrupt the AG splice acceptor site and interfere with normal splicing. To our knowledge, this variant has not been reported in the literature or in a large population database, indicating this variant is rare. Variants that disrupt the consensus splice acceptor site in CDH23 are expected to be pathogenic. This variant is interpreted as likely pathogenic.